The following is an entry in ClinVar:

ClinVar aggregate classification (germline): Uncertain significance (1 of 4 stars; one submission).

Submission:

GeneDx
Classification: Uncertain significance. Last evaluated: 2025-07-06. Review status: criteria provided, single submitter. Criteria: GeneDx Variant Classification Process June 2021. Collection method: clinical testing. Allele origin: germline. Affected: yes.
Comment: Not observed at significant frequency in large population cohorts (gnomAD); In silico analysis suggests that this missense variant does not alter protein structure/function, but splice predictors indicate that the variant may lead to abnormal gene splicing; Has not been previously published as pathogenic or benign to our knowledge

NM_031206.7(LAS1L):c.1030A>G (p.Ile344Val)

Gene: LAS1L (LAS1 like ribosome biogenesis factor; minus strand). Cytogenetic location: Xq12.
Variant type: single nucleotide variant.
Coding change: c.1030A>G on transcript NM_031206.7 (MANE Select); coding-DNA position 1030, A replaced by G.
Protein change: p.Ile344Val; replaces isoleucine 344 with valine.
Molecular consequence: missense variant. On other transcripts: non-coding transcript variant (3).
Genome position (GRCh38, 1-based): chrX:65,524,977, T>C on the plus strand (A>G on the coding strand, the complement: LAS1L is on the minus strand). VCF-style: chrX-65524977-T-C. GRCh37 (hg19) VCF-style: chrX-64744857-T-C.
Other names: c.1030A>G, p.Ile344Val (NM_001170649.2, NM_001375328.1, NM_001375329.1 and 10 more transcripts); c.904A>G, p.Ile302Val (NM_001170650.2); c.124A>G, p.Ile42Val (NM_001375332.1); short protein forms I302V, I344V, I42V.
Identifiers: ClinVar variation 4685178 (VCV004685178.1).